The following is an entry in ClinVar:

NM_014319.5(LEMD3):c.1285C>T (p.His429Tyr)

Gene: LEMD3 (LEM domain containing 3; plus strand). Cytogenetic location: 12q14.3.
Variant type: single nucleotide variant.
Coding change: c.1285C>T on transcript NM_014319.5 (MANE Select); coding-DNA position 1285, C replaced by T.
Protein change: p.His429Tyr; replaces histidine 429 with tyrosine.
Molecular consequence: missense variant.
Genome position (GRCh38, 1-based): chr12:65,170,881, C>T. VCF-style: chr12-65170881-C-T. GRCh37 (hg19) VCF-style: chr12-65564661-C-T.
Other names: c.1285C>T, p.His429Tyr (NM_001167614.2); short protein forms H429Y.
Identifiers: ClinVar variation 2104277 (VCV002104277.4), dbSNP rs757460816, ClinGen allele CA6670881.

ClinVar aggregate classification (germline): Uncertain significance (1 of 4 stars; one submission).

Allele frequency attached by ClinVar (database versions not stated): gnomAD exomes below 0.00001; ExAC 0.00001.
gnomAD v4.1: 1 of 1,614,222 alleles (0.000062%); highest among the groups gnomAD compares: South Asian, 0.0011%; no homozygotes.

Submission:

Labcorp Genetics (formerly Invitae), Labcorp
Classification: Uncertain significance. Last evaluated: 2022-03-04. Review status: criteria provided, single submitter. Criteria: Invitae Variant Classification Sherloc (09022015). Collection method: clinical testing. Allele origin: germline.
Comment: In summary, the available evidence is currently insufficient to determine the role of this variant in disease. Therefore, it has been classified as a Variant of Uncertain Significance. Algorithms developed to predict the effect of missense changes on protein structure and function are either unavailable or do not agree on the potential impact of this missense change (SIFT: "Tolerated"; PolyPhen-2: "Probably Damaging"; Align-GVGD: "Class C0"). This variant has not been reported in the literature in individuals affected with LEMD3-related conditions. This variant is present in population databases (rs757460816, gnomAD 0.003%). This sequence change replaces histidine, which is basic and polar, with tyrosine, which is neutral and polar, at codon 429 of the LEMD3 protein (p.His429Tyr).